The following is an entry in ClinVar:

ClinVar aggregate classification (germline): Uncertain significance (1 of 4 stars; one submission).

Conditions:
Combined immunodeficiency due to OX40 deficiency. Also called: Immunodeficiency 16; OX40 DEFICIENCY. Identifiers: Orphanet 431149, MedGen C3810053, MONDO:0014268, OMIM 615593.

Submission:

Labcorp Genetics (formerly Invitae), Labcorp
Classification: Uncertain significance for Combined immunodeficiency due to OX40 deficiency. Last evaluated: 2023-10-20. Review status: criteria provided, single submitter. Criteria: Invitae Variant Classification Sherloc (09022015). Collection method: clinical testing. Allele origin: germline.
Comment: This sequence change replaces leucine, which is neutral and non-polar, with valine, which is neutral and non-polar, at codon 16 of the TNFRSF4 protein (p.Leu16Val). This variant is not present in population databases (gnomAD no frequency). This variant has not been reported in the literature in individuals affected with TNFRSF4-related conditions. Experimental studies and prediction algorithms are not available or were not evaluated, and the functional significance of this variant is currently unknown. In summary, the available evidence is currently insufficient to determine the role of this variant in disease. Therefore, it has been classified as a Variant of Uncertain Significance.

NM_003327.4(TNFRSF4):c.46C>G (p.Leu16Val)

Gene: TNFRSF4 (TNF receptor superfamily member 4; minus strand). Cytogenetic location: 1p36.33.
Variant type: single nucleotide variant.
Coding change: c.46C>G on transcript NM_003327.4 (MANE Select); coding-DNA position 46, C replaced by G.
Protein change: p.Leu16Val; replaces leucine 16 with valine.
Molecular consequence: missense variant.
Genome position (GRCh38, 1-based): chr1:1,214,082, G>C on the plus strand (C>G on the coding strand, the complement: TNFRSF4 is on the minus strand). VCF-style: chr1-1214082-G-C. GRCh37 (hg19) VCF-style: chr1-1149462-G-C.
Other names: c.46C>G, p.Leu16Val (NM_001410709.1); short protein forms L16V.
Identifiers: ClinVar variation 2740832 (VCV002740832.3), dbSNP rs2521782178, ClinGen allele CA337803132.